The following is an entry in ClinVar:

NM_001197104.2(KMT2A):c.2461A>T (p.Ser821Cys)

Gene: KMT2A (lysine methyltransferase 2A; plus strand). Cytogenetic location: 11q23.3.
Variant type: single nucleotide variant.
Coding change: c.2461A>T on transcript NM_001197104.2 (MANE Select); coding-DNA position 2461, A replaced by T.
Protein change: p.Ser821Cys; replaces serine 821 with cysteine.
Molecular consequence: missense variant.
Genome position (GRCh38, 1-based): chr11:118,473,620, A>T. VCF-style: chr11-118473620-A-T. GRCh37 (hg19) VCF-style: chr11-118344335-A-T.
Other names: c.2560A>T, p.Ser854Cys (NM_001412597.1); c.2461A>T, p.Ser821Cys (NM_005933.4); short protein forms S821C, S854C.
Identifiers: ClinVar variation 2068480 (VCV002068480.4), dbSNP rs2134268984, ClinGen allele CA382815468.
Genomic context (GRCh38, chr11:118,473,620, plus strand): 5'-CATTCCCTGACTCAGTCTGGGGAATCTGCAGAGAAAAATCAGAGACCAAGGAAGCAGACT[A>T]GTGCTCCGGCAGAGCCATTTTCATCAAGTAGTCCTACTCCTCTCTTCCCTTGGTTTACCC-3'
Protein context (NP_001184033.1, residues 811-831): EKNQRPRKQT[Ser821Cys]APAEPFSSSS

ClinVar aggregate classification (germline): Uncertain significance (1 of 4 stars; one submission).

Submission:

Labcorp Genetics (formerly Invitae), Labcorp
Classification: Uncertain significance. Last evaluated: 2022-08-31. Review status: criteria provided, single submitter. Criteria: Invitae Variant Classification Sherloc (09022015). Collection method: clinical testing. Allele origin: germline.
Comment: This variant is not present in population databases (gnomAD no frequency). This variant has not been reported in the literature in individuals affected with KMT2A-related conditions. Advanced modeling of protein sequence and biophysical properties (such as structural, functional, and spatial information, amino acid conservation, physicochemical variation, residue mobility, and thermodynamic stability) performed at Invitae indicates that this missense variant is not expected to disrupt KMT2A protein function. In summary, the available evidence is currently insufficient to determine the role of this variant in disease. Therefore, it has been classified as a Variant of Uncertain Significance. This sequence change replaces serine, which is neutral and polar, with cysteine, which is neutral and slightly polar, at codon 821 of the KMT2A protein (p.Ser821Cys).